The following is an entry in ClinVar:

ClinVar aggregate classification (germline): Uncertain significance (1 of 4 stars; one submission).

Conditions:
Polyglucosan body myopathy type 1 (PGBM1). Also called: Polyglucosan body myopathy 1 with or without immunodeficiency; POLYGLUCOSAN BODY MYOPATHY WITHOUT IMMUNODEFICIENCY. Identifiers: Orphanet 329173, Orphanet 397937, MedGen C4014605, MONDO:0014389, OMIM 615895.

Submission:

Labcorp Genetics (formerly Invitae), Labcorp
Classification: Uncertain significance for Polyglucosan body myopathy type 1. Last evaluated: 2023-10-13. Review status: criteria provided, single submitter. Criteria: Invitae Variant Classification Sherloc (09022015). Collection method: clinical testing. Allele origin: germline.
Comment: This sequence change replaces glycine, which is neutral and non-polar, with arginine, which is basic and polar, at codon 499 of the RBCK1 protein (p.Gly499Arg). This variant is not present in population databases (gnomAD no frequency). This variant has not been reported in the literature in individuals affected with RBCK1-related conditions. ClinVar contains an entry for this variant (Variation ID: 945455). Advanced modeling of protein sequence and biophysical properties (such as structural, functional, and spatial information, amino acid conservation, physicochemical variation, residue mobility, and thermodynamic stability) performed at Invitae indicates that this missense variant is not expected to disrupt RBCK1 protein function. In summary, the available evidence is currently insufficient to determine the role of this variant in disease. Therefore, it has been classified as a Variant of Uncertain Significance.

NM_031229.4(RBCK1):c.1495G>A (p.Gly499Arg)

Gene: RBCK1 (RANBP2-type and C3HC4-type zinc finger containing 1; plus strand). Cytogenetic location: 20p13.
Variant type: single nucleotide variant.
Coding change: c.1495G>A on transcript NM_031229.4 (MANE Select); coding-DNA position 1495, G replaced by A.
Protein change: p.Gly499Arg; replaces glycine 499 with arginine.
Molecular consequence: missense variant. On other transcripts: non-coding transcript variant (1).
Genome position (GRCh38, 1-based): chr20:430,392, G>A. VCF-style: chr20-430392-G-A. GRCh37 (hg19) VCF-style: chr20-411036-G-A.
Other names: c.985G>A, p.Gly329Arg (NM_001323956.2, NM_001323958.2); c.1369G>A, p.Gly457Arg (NM_006462.6); short protein forms G457R, G499R, G329R.
Identifiers: ClinVar variation 945455 (VCV000945455.9), dbSNP rs2016958362, ClinGen allele CA407940380.
Genomic context (GRCh38, chr20:430,392, plus strand): 5'-CTTCCTCCCATCCTCTAGGGCCCAGGAGACACCAGCGGGGGCTGCCGCTGCAGGGTAAAT[G>A]GGATTCCTTGCCACCCAAGCTGTCAGAACTGCCACTGAGCTAAAGATGGTGGGGCCACAT-3'
Protein context (NP_112506.2, residues 489-509): TSGGCRCRVN[Gly499Arg]IPCHPSCQNC